The following is an entry in ClinVar:

NM_024675.4(PALB2):c.56A>G (p.Glu19Gly)

Gene: PALB2 (partner and localizer of BRCA2; minus strand). Cytogenetic location: 16p12.2.
Variant type: single nucleotide variant.
Coding change: c.56A>G on transcript NM_024675.4 (MANE Select); coding-DNA position 56, A replaced by G.
Protein change: p.Glu19Gly; replaces glutamic acid 19 with glycine.
Molecular consequence: missense variant. On other transcripts: 5 prime UTR variant (8), intron variant (4).
Genome position (GRCh38, 1-based): chr16:23,638,122, T>C on the plus strand (A>G on the coding strand, the complement: PALB2 is on the minus strand). VCF-style: chr16-23638122-T-C. GRCh37 (hg19) VCF-style: chr16-23649443-T-C.
Other names: c.56A>G, p.Glu19Gly (NM_001407297.1, NM_001407298.1, NM_001407299.1 and 3 more transcripts); c.-830A>G (NM_001407304.1, NM_001407305.1, NM_001407306.1 and 5 more transcripts); c.48+2988A>G (NM_001407314.1); c.-105+2988A>G (NM_001407313.1, NM_001407312.1); c.49-170A>G (NM_001407296.1); short protein forms E19G.
Identifiers: ClinVar variation 2567566 (VCV002567566.2), dbSNP rs2142461139, ClinGen allele CA395139957.

ClinVar aggregate classification (germline): Uncertain significance (1 of 4 stars; one submission).

Conditions:
Hereditary cancer-predisposing syndrome. Also called: Hereditary neoplastic syndrome; Hereditary Cancer Syndrome; Neoplastic Syndromes, Hereditary; Tumor predisposition. Identifiers: Orphanet 140162, MedGen C0027672, MeSH D009386, MONDO:0015356.

Submission:

Ambry Genetics
Classification: Uncertain significance for Hereditary cancer-predisposing syndrome. Last evaluated: 2023-04-13. Review status: criteria provided, single submitter. Criteria: Ambry Variant Classification Scheme 2023. Collection method: clinical testing. Allele origin: germline.
Comment: The p.E19G variant (also known as c.56A>G), located in coding exon 2 of the PALB2 gene, results from an A to G substitution at nucleotide position 56. The glutamic acid at codon 19 is replaced by glycine, an amino acid with similar properties. This amino acid position is conserved. In addition, this alteration is predicted to be tolerated by in silico analysis. Since supporting evidence is limited at this time, the clinical significance of this alteration remains unclear.